The following is an entry in ClinVar:

ClinVar aggregate classification (germline): Benign/Likely benign. Review status: criteria provided, multiple submitters, no conflicts (2 of 4 stars). 10 submissions from 10 submitters: Benign (2); Likely benign (8). Last evaluated 2026-06-08.

Conditions:
Cardiovascular phenotype. Identifiers: MedGen CN230736.
Ehlers-Danlos syndrome (EDS). Identifiers: Orphanet 98249, MedGen C0013720, MONDO:0020066.

Allele frequency attached by ClinVar (database versions not stated): ESP Exome Variant Server 0.00185; TOPMed 0.00210; gnomAD 0.00252 and 0.00261; 1000 Genomes Project 0.00359; 1000 Genomes Project 30x 0.00422.
gnomAD v4.1: 1,136 of 1,579,948 alleles (0.072%); highest among the groups gnomAD compares: African/African-American, 0.82%; 8 homozygotes.

Submissions (10):

Women's Health and Genetics/Laboratory Corporation of America, LabCorp
Classification: Likely benign. Last evaluated: 2026-06-08. Review status: criteria provided, single submitter. Criteria: LabCorp Variant Classification Summary - May 2015. Collection method: clinical testing. Allele origin: germline.

CeGaT Center for Human Genetics Tuebingen
Classification: Likely benign. Last evaluated: 2026-02-01. Review status: criteria provided, single submitter. Criteria: CeGaT Center For Human Genetics Tuebingen Variant Classification Criteria Version 2. Collection method: clinical testing. Allele origin: germline. Affected: yes. Observed: 5 variant alleles.
Comment: TNXB: BP4, BP7

Labcorp Genetics (formerly Invitae), Labcorp
Classification: Benign. Last evaluated: 2026-01-31. Review status: criteria provided, single submitter. Criteria: Invitae Variant Classification Sherloc (09022015). Collection method: clinical testing. Allele origin: germline.

Mayo Clinic Laboratories, Mayo Clinic
Classification: Likely benign. Last evaluated: 2025-05-05. Review status: criteria provided, single submitter. Criteria: ACMG Guidelines, 2015. Collection method: clinical testing. Allele origin: germline. Observed: 7 variant alleles.
Comment: BS1, BS2_supporting, BP4, BP7

Blueprint Genetics
Classification: Likely benign. Last evaluated: 2024-11-12. Review status: criteria provided, single submitter. Criteria: ACMG Guidelines, 2015. Collection method: clinical testing. Allele origin: germline.

GeneDx
Classification: Likely benign. Last evaluated: 2021-01-30. Review status: criteria provided, single submitter. Criteria: GeneDx Variant Classification Process June 2021. Collection method: clinical testing. Allele origin: germline. Affected: yes.

Genome Diagnostics Laboratory, The Hospital for Sick Children
Classification: Likely benign for Ehlers-Danlos syndrome. Last evaluated: 2020-09-24. Review status: criteria provided, single submitter. Criteria: ACMG Guidelines, 2015. Collection method: clinical testing. Allele origin: germline.

Ambry Genetics
Classification: Likely benign for Cardiovascular phenotype. Last evaluated: 2020-01-17. Review status: criteria provided, single submitter. Criteria: Ambry Variant Classification Scheme 2023. Collection method: clinical testing. Allele origin: germline.

Breakthrough Genomics
Classification: Likely benign. Review status: criteria provided, single submitter. Criteria: ACMG Guidelines, 2015. Collection method: not provided. Allele origin: germline. Inheritance: Autosomal recessive inheritance. Affected: yes.

PreventionGenetics, part of Exact Sciences
Classification: Benign. Review status: criteria provided, single submitter. Criteria: ACMG Guidelines, 2015. Collection method: clinical testing. Allele origin: germline.

NM_001365276.2(TNXB):c.10368C>T (p.Thr3456=)

Gene: TNXB (tenascin XB; minus strand). Cytogenetic location: 6p21.33.
Variant type: single nucleotide variant.
Coding change: c.10368C>T on transcript NM_001365276.2 (MANE Select); coding-DNA position 10368, C replaced by T.
Protein change: p.Thr3456=; no amino-acid change (threonine 3456 retained).
Molecular consequence: synonymous variant.
Genome position (GRCh38, 1-based): chr6:32,046,413, G>A on the plus strand (C>T on the coding strand, the complement: TNXB is on the minus strand). VCF-style: chr6-32046413-G-A. GRCh37 (hg19) VCF-style: chr6-32014190-G-A.
Other names: p.Thr3454=; c.10362C>T, p.Thr3454= (NM_019105.8).
Identifiers: ClinVar variation 261095 (VCV000261095.56), dbSNP rs116701346, ClinGen allele CA3733243.